The following is an entry in ClinVar:

NM_000368.5(TSC1):c.27G>C (p.Glu9Asp)

Gene: TSC1 (TSC complex subunit 1; minus strand). Cytogenetic location: 9q34.13.
Variant type: single nucleotide variant.
Coding change: c.27G>C on transcript NM_000368.5 (MANE Select); coding-DNA position 27, G replaced by C.
Protein change: p.Glu9Asp; replaces glutamic acid 9 with aspartic acid.
Molecular consequence: missense variant. On other transcripts: 5 prime UTR variant (1).
Genome position (GRCh38, 1-based): chr9:132,928,846, C>G on the plus strand (G>C on the coding strand, the complement: TSC1 is on the minus strand). VCF-style: chr9-132928846-C-G. GRCh37 (hg19) VCF-style: chr9-135804233-C-G.
Other names: c.27G>C, p.Glu9Asp (NM_001162426.2, NM_001162427.2, NM_001406592.1 and 21 more transcripts); c.-233G>C (NM_001362177.2, NM_001406617.1, NM_001406619.1 and 3 more transcripts); c.-325G>C (NM_001406614.1); c.-462G>C (NM_001406615.1, NM_001406623.1); c.-429G>C (NM_001406616.1, NM_001406624.1); c.-851G>C (NM_001406626.1, NM_001406627.1, NM_001406628.1); c.-993G>C (NM_001406629.1); c.-1067G>C (NM_001406630.1); short protein forms E9D.
Identifiers: ClinVar variation 1796196 (VCV001796196.2), dbSNP rs2539145878, ClinGen allele CA375375419.
Genomic context (GRCh38, chr9:132,928,846, plus strand): 5'-AAAGACAGCTGTCACGTCGTCCCGCACACCCAGCATGGGGGAGTCCAGCATGGCAAGAAG[C>G]TCCCCGACATTTGCTTGTTGGGCCATTCTCTCGCTCGAAGGCGCTGTGCTGGCTCCAGGA-3'
Protein context (NP_000359.1, residues 1-19): MAQQANVG[Glu9Asp]LLAMLDSPML

ClinVar aggregate classification (germline): Uncertain significance (1 of 4 stars; one submission).

Conditions:
Hereditary cancer-predisposing syndrome. Also called: Tumor predisposition; Hereditary Cancer Syndrome; Neoplastic Syndromes, Hereditary; Hereditary neoplastic syndrome. Identifiers: Orphanet 140162, MedGen C0027672, MeSH D009386, MONDO:0015356.

Submission:

Ambry Genetics
Classification: Uncertain significance for Hereditary cancer-predisposing syndrome. Last evaluated: 2021-09-03. Review status: criteria provided, single submitter. Criteria: Ambry Variant Classification Scheme 2023. Collection method: clinical testing. Allele origin: germline.
Comment: The p.E9D variant (also known as c.27G>C), located in coding exon 1 of the TSC1 gene, results from a G to C substitution at nucleotide position 27. The glutamic acid at codon 9 is replaced by aspartic acid, an amino acid with highly similar properties. This amino acid position is not well conserved in available vertebrate species. In addition, this alteration is predicted to be tolerated by in silico analysis. Since supporting evidence is limited at this time, the clinical significance of this alteration remains unclear.